The following is an entry in ClinVar:

NM_078470.6(COX15):c.518A>G (p.Lys173Arg)

Gene: COX15 (cytochrome c oxidase assembly factor COX15; minus strand). Cytogenetic location: 10q24.2.
Variant type: single nucleotide variant.
Coding change: c.518A>G on transcript NM_078470.6 (MANE Select); coding-DNA position 518, A replaced by G.
Protein change: p.Lys173Arg; replaces lysine 173 with arginine.
Molecular consequence: missense variant. On other transcripts: 5 prime UTR variant (1), non-coding transcript variant (1).
Genome position (GRCh38, 1-based): chr10:99,727,032, T>C on the plus strand (A>G on the coding strand, the complement: COX15 is on the minus strand). VCF-style: chr10-99727032-T-C. GRCh37 (hg19) VCF-style: chr10-101486789-T-C.
Other names: c.518A>G, p.Lys173Arg (NM_001320974.2, NM_001320975.2, NM_001372024.1 and 5 more transcripts); c.-20A>G (NM_001320976.2); short protein forms K173R.
Identifiers: ClinVar variation 2108772 (VCV002108772.4), dbSNP rs2036977145, ClinGen allele CA378087555.

ClinVar aggregate classification (germline): Uncertain significance (1 of 4 stars; one submission).

Submission:

Labcorp Genetics (formerly Invitae), Labcorp
Classification: Uncertain significance. Last evaluated: 2024-02-05. Review status: criteria provided, single submitter. Criteria: Invitae Variant Classification Sherloc (09022015). Collection method: clinical testing. Allele origin: germline.
Comment: This sequence change replaces lysine, which is basic and polar, with arginine, which is basic and polar, at codon 173 of the COX15 protein (p.Lys173Arg). This variant is not present in population databases (gnomAD no frequency). This variant has not been reported in the literature in individuals affected with COX15-related conditions. ClinVar contains an entry for this variant (Variation ID: 2108772). An algorithm developed to predict the effect of missense changes on protein structure and function (PolyPhen-2) suggests that this variant is likely to be tolerated. In summary, the available evidence is currently insufficient to determine the role of this variant in disease. Therefore, it has been classified as a Variant of Uncertain Significance.